The following is an entry in ClinVar:

ClinVar aggregate classification (germline): Uncertain significance (1 of 4 stars; one submission).

Allele frequency attached by ClinVar (database versions not stated): gnomAD 0.00001; TOPMed 0.00001; gnomAD exomes 0.00002.
gnomAD v4.1: 31 of 1,613,926 alleles (0.0019%); highest among the groups gnomAD compares: Non-Finnish European, 0.0026%; no homozygotes.

Submission:

Labcorp Genetics (formerly Invitae), Labcorp
Classification: Uncertain significance. Last evaluated: 2022-02-27. Review status: criteria provided, single submitter. Criteria: Invitae Variant Classification Sherloc (09022015). Collection method: clinical testing. Allele origin: germline.
Comment: In summary, the available evidence is currently insufficient to determine the role of this variant in disease. Therefore, it has been classified as a Variant of Uncertain Significance. Algorithms developed to predict the effect of missense changes on protein structure and function are either unavailable or do not agree on the potential impact of this missense change (SIFT: "Deleterious"; PolyPhen-2: "Probably Damaging"; Align-GVGD: "Class C0"). This variant has not been reported in the literature in individuals affected with NIN-related conditions. This variant is present in population databases (no rsID available, gnomAD 0.0009%). This sequence change replaces glutamine, which is neutral and polar, with histidine, which is basic and polar, at codon 378 of the NIN protein (p.Gln378His).

NM_020921.4(NIN):c.1134G>C (p.Gln378His)

Gene: NIN (ninein; minus strand). Cytogenetic location: 14q22.1.
Variant type: single nucleotide variant.
Coding change: c.1134G>C on transcript NM_020921.4 (MANE Select); coding-DNA position 1134, G replaced by C.
Protein change: p.Gln378His; replaces glutamine 378 with histidine.
Molecular consequence: missense variant.
Genome position (GRCh38, 1-based): chr14:50,770,977, C>G on the plus strand (G>C on the coding strand, the complement: NIN is on the minus strand). VCF-style: chr14-50770977-C-G. GRCh37 (hg19) VCF-style: chr14-51237695-C-G.
Other names: c.1134G>C, p.Gln378His (NM_016350.5, NM_182944.3, NM_182946.2); short protein forms Q378H.
Identifiers: ClinVar variation 1920314 (VCV001920314.5), dbSNP rs902676257, ClinGen allele CA260819856.